The following is an entry in ClinVar:

NM_004991.4(MECOM):c.1800T>A (p.Asp600Glu)

Gene: MECOM (MDS1 and EVI1 complex locus; minus strand). Cytogenetic location: 3q26.2.
Variant type: single nucleotide variant.
Coding change: c.1800T>A on transcript NM_004991.4 (MANE Select); coding-DNA position 1800, T replaced by A.
Protein change: p.Asp600Glu; replaces aspartic acid 600 with glutamic acid.
Molecular consequence: missense variant. On other transcripts: intron variant (2).
Genome position (GRCh38, 1-based): chr3:169,116,072, A>T on the plus strand (T>A on the coding strand, the complement: MECOM is on the minus strand). VCF-style: chr3-169116072-A-T. GRCh37 (hg19) VCF-style: chr3-168833860-A-T.
Other names: c.1431T>A, p.Asp477Glu (NM_001105077.4); c.1236T>A, p.Asp412Glu (NM_001105078.4, NM_001164000.2, NM_001205194.2 and 4 more transcripts); c.1239T>A, p.Asp413Glu (NM_001163999.2, NM_001366467.2, NM_001366468.2 and 1 more transcripts); c.1800T>A, p.Asp600Glu (NM_001366466.2); c.1133-305T>A (NM_001366473.2); c.569-305T>A (NM_001366474.2); short protein forms D477E, D412E, D413E, D600E.
Identifiers: ClinVar variation 4624721 (VCV004624721.1).

ClinVar aggregate classification (germline): Uncertain significance (1 of 4 stars; one submission).

Conditions:
Inborn genetic diseases. Identifiers: MedGen C0950123, MeSH D030342.

Submission:

Ambry Genetics
Classification: Uncertain significance for Inborn genetic diseases. Last evaluated: 2025-11-28. Review status: criteria provided, single submitter. Criteria: Ambry Variant Classification Scheme 2023. Collection method: clinical testing. Allele origin: germline.
Comment: The p.D600E variant (also known as c.1800T>A), located in coding exon 8 of the MECOM gene, results from a T to A substitution at nucleotide position 1800. The aspartic acid at codon 600 is replaced by glutamic acid, an amino acid with highly similar properties. This amino acid position is conserved. In addition, this alteration is predicted to be tolerated by in silico analysis. Based on the available evidence, the clinical significance of this variant remains unclear.